The following is an entry in ClinVar:

ClinVar aggregate classification (germline): Likely benign. Review status: criteria provided, multiple submitters, no conflicts (2 of 4 stars). 3 submissions from 3 submitters: Likely benign (2). 1 of the submissions does not count toward it. Last evaluated 2025-10-04.

Conditions:
ADAMTS13-related disorder. Also called: ADAMTS13-related condition.

Allele frequency attached by ClinVar (database versions not stated): gnomAD 0.00001; TOPMed 0.00001; ExAC 0.00002.
gnomAD v4.1: 33 of 1,613,336 alleles (0.002%); highest among the groups gnomAD compares: Middle Eastern, 0.033%; no homozygotes.

Submissions (3):

Labcorp Genetics (formerly Invitae), Labcorp
Classification: Likely benign. Last evaluated: 2025-10-04. Review status: criteria provided, single submitter. Criteria: Invitae Variant Classification Sherloc (09022015). Collection method: clinical testing. Allele origin: germline.

Blueprint Genetics
Classification: Likely benign. Last evaluated: 2024-07-02. Review status: criteria provided, single submitter. Criteria: ACMG Guidelines, 2015. Collection method: clinical testing. Allele origin: germline.

PreventionGenetics, part of Exact Sciences
Classification: Likely benign for ADAMTS13-related condition. Last evaluated: 2021-03-30. Review status: no assertion criteria provided. Collection method: clinical testing. Allele origin: germline. Not counted in ClinVar's aggregate classification.
Comment: This variant is classified as likely benign based on ACMG/AMP sequence variant interpretation guidelines (Richards et al. 2015 PMID: 25741868, with internal and published modifications).

NM_139027.6(ADAMTS13):c.3834C>T (p.His1278=)

Gene: ADAMTS13 (ADAM metallopeptidase with thrombospondin type 1 motif 13; plus strand). Cytogenetic location: 9q34.2.
Variant type: single nucleotide variant.
Coding change: c.3834C>T on transcript NM_139027.6 (MANE Select); coding-DNA position 3834, C replaced by T.
Protein change: p.His1278=; no amino-acid change (histidine 1278 retained).
Molecular consequence: synonymous variant.
Genome position (GRCh38, 1-based): chr9:133,458,019, C>T. VCF-style: chr9-133458019-C-T. GRCh37 (hg19) VCF-style: chr9-136323141-C-T.
Other names: c.4002C>T, p.His1334= (NM_139025.5); c.3741C>T, p.His1247= (NM_139026.6).
Identifiers: ClinVar variation 1921638 (VCV001921638.8), dbSNP rs782202074, ClinGen allele CA200946785.